The following is an entry in ClinVar:

NM_001605.3(AARS1):c.1399A>G (p.Ile467Val)

Gene: AARS1 (alanyl-tRNA synthetase 1; minus strand). Cytogenetic location: 16q22.1.
Variant type: single nucleotide variant.
Coding change: c.1399A>G on transcript NM_001605.3 (MANE Select); coding-DNA position 1399, A replaced by G.
Protein change: p.Ile467Val; replaces isoleucine 467 with valine.
Molecular consequence: missense variant.
Genome position (GRCh38, 1-based): chr16:70,265,051, T>C on the plus strand (A>G on the coding strand, the complement: AARS1 is on the minus strand). VCF-style: chr16-70265051-T-C. GRCh37 (hg19) VCF-style: chr16-70298954-T-C.
Other names: short protein forms I467V.
Identifiers: ClinVar variation 392470 (VCV000392470.11), dbSNP rs376215607, ClinGen allele CA8140825.

ClinVar aggregate classification (germline): Uncertain significance. Review status: criteria provided, multiple submitters, no conflicts (2 of 4 stars). 4 submissions from 4 submitters: Uncertain significance (4). Last evaluated 2025-07-17.

Conditions:
AARS1-related disorder. Also called: AARS1-related condition.
Inborn genetic diseases. Identifiers: MedGen C0950123, MeSH D030342.
Charcot-Marie-Tooth disease type 2. Also called: Charcot-Marie-Tooth type 2. Identifiers: Orphanet 64746, MedGen C0270914, MONDO:0018993.

Allele frequency attached by ClinVar (database versions not stated): ExAC 0.00001; gnomAD exomes 0.00001; TOPMed 0.00004; gnomAD 0.00005 and 0.00006; ESP Exome Variant Server 0.00008.
gnomAD v4.1: 24 of 1,614,032 alleles (0.0015%); highest among the groups gnomAD compares: African/African-American, 0.0027%; no homozygotes.

Submissions (4):

PreventionGenetics, part of Exact Sciences
Classification: Uncertain significance for AARS1-related condition. Last evaluated: 2025-07-17. Review status: criteria provided, single submitter. Criteria: ACMG Guidelines, 2015. Collection method: clinical testing. Allele origin: germline.
Comment: The AARS1 c.1399A>G variant is predicted to result in the amino acid substitution p.Ile467Val. To our knowledge, this variant has not been reported in the literature. This variant is reported in 0.0029% of alleles in individuals of Latino descent in gnomAD. At this time, the clinical significance of this variant is uncertain due to the absence of conclusive functional and genetic evidence.

Labcorp Genetics (formerly Invitae), Labcorp
Classification: Uncertain significance for Charcot-Marie-Tooth disease type 2. Last evaluated: 2025-02-02. Review status: criteria provided, single submitter. Criteria: Invitae Variant Classification Sherloc (09022015). Collection method: clinical testing. Allele origin: germline.
Comment: This sequence change replaces isoleucine, which is neutral and non-polar, with valine, which is neutral and non-polar, at codon 467 of the AARS protein (p.Ile467Val). This variant is present in population databases (rs376215607, gnomAD 0.003%). This variant has not been reported in the literature in individuals affected with AARS-related conditions. ClinVar contains an entry for this variant (Variation ID: 392470). Invitae Evidence Modeling of protein sequence and biophysical properties (such as structural, functional, and spatial information, amino acid conservation, physicochemical variation, residue mobility, and thermodynamic stability) indicates that this missense variant is not expected to disrupt AARS protein function with a negative predictive value of 95%. In summary, the available evidence is currently insufficient to determine the role of this variant in disease. Therefore, it has been classified as a Variant of Uncertain Significance.

Ambry Genetics
Classification: Uncertain significance for Inborn genetic diseases. Last evaluated: 2024-02-26. Review status: criteria provided, single submitter. Criteria: Ambry Variant Classification Scheme 2023. Collection method: clinical testing. Allele origin: germline.

GeneDx
Classification: Uncertain significance. Last evaluated: 2017-01-12. Review status: criteria provided, single submitter. Criteria: GeneDx Variant Classification (06012015). Collection method: clinical testing. Allele origin: germline. Affected: yes.
Comment: A variant of uncertain significance has been identified in the AARS gene. The I467V variant has not been published as a pathogenic variant, nor has it been reported as a benign variant to our knowledge. The I467V variant is not observed at a significant frequency in large population cohorts (Lek et al., 2016; 1000 Genomes Consortium et al., 2015; Exome Variant Server). This substitution occurs at a position that is conserved across species. However, the I467V variant is a conservative amino acid substitution, which is not likely to impact secondary protein structure as these residues share similar properties. In silico analysis is inconsistent in its predictions as to whether or not the variant is damaging to the protein structure/function. Therefore, based on the currently available information, it is unclear whether this variant is a pathogenic variant or a rare benign variant.